The following is an entry in ClinVar:

NM_016203.4(PRKAG2):c.181C>A (p.Arg61=)

Gene: PRKAG2 (protein kinase AMP-activated non-catalytic subunit gamma 2; minus strand). Cytogenetic location: 7q36.1.
Variant type: single nucleotide variant.
Coding change: c.181C>A on transcript NM_016203.4 (MANE Select); coding-DNA position 181, C replaced by A.
Protein change: p.Arg61=; no amino-acid change (arginine 61 retained).
Molecular consequence: synonymous variant.
Genome position (GRCh38, 1-based): chr7:151,786,475, G>T on the plus strand (C>A on the coding strand, the complement: PRKAG2 is on the minus strand). VCF-style: chr7-151786475-G-T. GRCh37 (hg19) VCF-style: chr7-151483561-G-T.
Other names: c.49C>A, p.Arg17= (NM_001040633.2).
Identifiers: ClinVar variation 508766 (VCV000508766.2), dbSNP rs770100112, ClinGen allele CA458672078.

ClinVar aggregate classification (germline): Likely benign. Review status: criteria provided, multiple submitters, no conflicts (2 of 4 stars). 2 submissions from 2 submitters: Likely benign (2). Last evaluated 2024-05-30.

Conditions:
Hypertrophic cardiomyopathy. Also called: HYPERTROPHIC MYOCARDIOPATHY. Identifiers: Orphanet 217569, MedGen C0007194, MeSH D002312, MONDO:0005045, HP:0001639.

Allele frequency attached by ClinVar (database versions not stated): TOPMed below 0.00001; gnomAD 0.00001.
gnomAD v4.1: 2 of 1,611,412 alleles (0.00012%); highest among the groups gnomAD compares: African/African-American, 0.0027%; no homozygotes.

Submissions (2):

All of Us Research Program, National Institutes of Health
Classification: Likely benign for Hypertrophic cardiomyopathy. Last evaluated: 2024-05-30. Review status: criteria provided, single submitter. Criteria: ACMG Guidelines, 2015. Collection method: clinical testing. Allele origin: germline. Inheritance: Autosomal dominant inheritance. Observed: 1 variant allele, 1 heterozygote.
Comment: This study involves interpretation of variants in research participants for the purpose of population health screening. Participant phenotype was not available at the time of variant classification. Additional details can be found in publication PMID: 35346344, PMCID: PMC8962531

GeneDx
Classification: Likely benign. Last evaluated: 2017-04-13. Review status: criteria provided, single submitter. Criteria: GeneDx Variant Classification (06012015). Collection method: clinical testing. Allele origin: germline. Affected: yes.
Comment: This variant is considered likely benign or benign based on one or more of the following criteria: it is a conservative change, it occurs at a poorly conserved position in the protein, it is predicted to be benign by multiple in silico algorithms, and/or has population frequency not consistent with disease.